The following is an entry in ClinVar:

ClinVar aggregate classification (germline): Uncertain significance. Review status: criteria provided, single submitter (1 of 4 stars). 3 submissions from 3 submitters: Uncertain significance (1). 2 of the submissions do not count toward it. Last evaluated 2026-01-29.

Conditions:
Dyskeratosis congenita, autosomal recessive 5 (DKCB5). Identifiers: MedGen C3554656, MONDO:0014076, OMIM 615190.
Pulmonary fibrosis and/or bone marrow failure, Telomere-related, 3. Also called: PULMONARY FIBROSIS AND/OR BONE MARROW FAILURE SYNDROME, TELOMERE-RELATED, 3. Identifiers: Orphanet 2032, MedGen C4225346, MONDO:0014613, OMIM 616373.
RTEL1-related disorder. Also called: RTEL1-related disorders; RTEL1-related condition.
Dyskeratosis congenita. Identifiers: Orphanet 1775, MedGen C0265965, MONDO:0015780.

Allele frequency attached by ClinVar (database versions not stated): gnomAD 0.00001; TOPMed 0.00001; ExAC 0.00005; gnomAD exomes 0.00003.
gnomAD v4.1: 43 of 1,612,524 alleles (0.0027%); highest among the groups gnomAD compares: Middle Eastern, 0.016%; no homozygotes.

Submissions (3):

Labcorp Genetics (formerly Invitae), Labcorp
Classification: Uncertain significance for Dyskeratosis congenita, autosomal recessive 5; Pulmonary fibrosis and/or bone marrow failure, Telomere-related, 3. Last evaluated: 2026-01-29. Review status: criteria provided, single submitter. Criteria: Invitae Variant Classification Sherloc (09022015). Collection method: clinical testing. Allele origin: germline.
Comment: This sequence change replaces alanine, which is neutral and non-polar, with threonine, which is neutral and polar, at codon 1074 of the RTEL1 protein (p.Ala1074Thr). This variant is present in population databases (rs780364760, gnomAD 0.01%). This missense change has been observed in individual(s) with clinical features of RTEL1-related conditions (PMID: 37944684). ClinVar contains an entry for this variant (Variation ID: 1000598). An algorithm developed to predict the effect of missense changes on protein structure and function outputs the following: PolyPhen-2: "Benign". The threonine amino acid residue is found in multiple mammalian species, which suggests that this missense change does not adversely affect protein function. In summary, the available evidence is currently insufficient to determine the role of this variant in disease. Therefore, it has been classified as a Variant of Uncertain Significance.

PreventionGenetics, part of Exact Sciences
Classification: Uncertain significance for RTEL1-related condition. Last evaluated: 2024-08-29. Review status: no assertion criteria provided. Collection method: clinical testing. Allele origin: germline. Not counted in ClinVar's aggregate classification.
Comment: The RTEL1 c.3292G>A variant is predicted to result in the amino acid substitution p.Ala1098Thr. To our knowledge, this variant has not been reported in the literature. This variant is reported in 0.013% of alleles in individuals of South Asian descent in gnomAD. At this time, the clinical significance of this variant is uncertain due to the absence of conclusive functional and genetic evidence.

Natera, Inc.
Classification: Uncertain significance for Dyskeratosis congenita. Last evaluated: 2020-03-04. Review status: no assertion criteria provided. Collection method: clinical testing. Allele origin: germline. Not counted in ClinVar's aggregate classification.

Literature cited by the submitters: PubMed 37944684 (cited by Labcorp Genetics (formerly Invitae), Labcorp).

NM_001283009.2(RTEL1):c.3220G>A (p.Ala1074Thr)

Genes: RTEL1 (regulator of telomere elongation helicase 1; plus strand), RTEL1-TNFRSF6B (RTEL1-TNFRSF6B readthrough (NMD candidate); plus strand). Cytogenetic location: 20q13.33.
Variant type: single nucleotide variant.
Coding change: c.3220G>A on transcript NM_001283009.2 (MANE Select); coding-DNA position 3220, G replaced by A.
Protein change: p.Ala1074Thr; replaces alanine 1074 with threonine.
Molecular consequence: missense variant. On other transcripts: non-coding transcript variant (1).
Genome position (GRCh38, 1-based): chr20:63,694,851, G>A. VCF-style: chr20-63694851-G-A. GRCh37 (hg19) VCF-style: chr20-62326204-G-A.
Other names: c.3292G>A (NM_032957.4); c.2551G>A, p.Ala851Thr (NM_001283010.1); c.3220G>A, p.Ala1074Thr (NM_016434.4); c.3292G>A, p.Ala1098Thr (NM_032957.5); short protein forms A1074T, A1098T, A851T.
Identifiers: ClinVar variation 1000598 (VCV001000598.6), dbSNP rs780364760, ClinGen allele CA9965913.
Genomic context (GRCh38, chr20:63,694,851, plus strand): 5'-AAGCAGGGCCAGCACGCCGTGAGCGCCTACCTGGCTGATGCCCGCAGGGCCCTGGGGTCC[G>A]CGGGCTGTAGCCAACTCTTGGCAGCGCTGACAGCCTATAAGCAAGACGACGACCTCGACA-3'
Protein context (NP_001269938.1, residues 1064-1084): LADARRALGS[Ala1074Thr]GCSQLLAALT